The following is an entry in ClinVar:

ClinVar aggregate classification (germline): Uncertain significance. Review status: criteria provided, multiple submitters, no conflicts (2 of 4 stars). 2 submissions from 2 submitters: Uncertain significance (2). Last evaluated 2025-05-18.

Conditions:
Cardiovascular phenotype. Identifiers: MedGen CN230736.
Long QT syndrome (LQTS). Identifiers: MedGen C0023976, MeSH D008133, MONDO:0002442. Disease mechanism: loss of function. Inheritance: Various modes of inheritance.

Allele frequency attached by ClinVar (database versions not stated): gnomAD 0.00001; gnomAD exomes 0.00003 and 0.00006; ExAC 0.00006; TOPMed 0.00006; 1000 Genomes Project 0.00020; 1000 Genomes Project 30x 0.00031.
gnomAD v4.1: 18 of 1,613,824 alleles (0.0011%); highest among the groups gnomAD compares: Admixed American, 0.03%; 1 homozygote.

Submissions (2):

Labcorp Genetics (formerly Invitae), Labcorp
Classification: Uncertain significance for Long QT syndrome. Last evaluated: 2025-05-18. Review status: criteria provided, single submitter. Criteria: Invitae Variant Classification Sherloc (09022015). Collection method: clinical testing. Allele origin: germline.
Comment: This sequence change replaces glutamic acid, which is acidic and polar, with lysine, which is basic and polar, at codon 1817 of the AKAP9 protein (p.Glu1817Lys). This variant is present in population databases (rs575158854, gnomAD 0.04%). This variant has not been reported in the literature in individuals affected with AKAP9-related conditions. ClinVar contains an entry for this variant (Variation ID: 457110). An algorithm developed to predict the effect of missense changes on protein structure and function (PolyPhen-2) suggests that this variant is likely to be disruptive. In summary, the available evidence is currently insufficient to determine the role of this variant in disease. Therefore, it has been classified as a Variant of Uncertain Significance.

Ambry Genetics
Classification: Uncertain significance for Cardiovascular phenotype. Last evaluated: 2021-07-26. Review status: criteria provided, single submitter. Criteria: Ambry Variant Classification Scheme 2023. Collection method: clinical testing. Allele origin: germline.
Comment: The p.E1817K variant (also known as c.5449G>A), located in coding exon 22 of the AKAP9 gene, results from a G to A substitution at nucleotide position 5449. The glutamic acid at codon 1817 is replaced by lysine, an amino acid with similar properties. This amino acid position is well conserved in available vertebrate species; however, lysine is the reference amino acid in other vertebrate species. In addition, this alteration is predicted to be tolerated by in silico analysis. Since supporting evidence is limited at this time, the clinical significance of this alteration remains unclear.

NM_005751.5(AKAP9):c.5449G>A (p.Glu1817Lys)

Gene: AKAP9 (A-kinase anchoring protein 9; plus strand). Cytogenetic location: 7q21.2.
Variant type: single nucleotide variant.
Coding change: c.5449G>A on transcript NM_005751.5 (MANE Select); coding-DNA position 5449, G replaced by A.
Protein change: p.Glu1817Lys; replaces glutamic acid 1817 with lysine.
Molecular consequence: missense variant.
Genome position (GRCh38, 1-based): chr7:92,052,806, G>A. VCF-style: chr7-92052806-G-A. GRCh37 (hg19) VCF-style: chr7-91682120-G-A.
Other names: c.5449G>A, p.Glu1817Lys (NM_147185.3); short protein forms E1817K.
Identifiers: ClinVar variation 457110 (VCV000457110.13), dbSNP rs575158854, ClinGen allele CA4336790.